The following is an entry in ClinVar:

NM_006005.3(WFS1):c.1016A>G (p.Asp339Gly)

Gene: WFS1 (wolframin ER transmembrane glycoprotein; plus strand). Cytogenetic location: 4p16.1.
Variant type: single nucleotide variant.
Coding change: c.1016A>G on transcript NM_006005.3 (MANE Select); coding-DNA position 1016, A replaced by G.
Protein change: p.Asp339Gly; replaces aspartic acid 339 with glycine.
Molecular consequence: missense variant.
Genome position (GRCh38, 1-based): chr4:6,300,811, A>G. VCF-style: chr4-6300811-A-G. GRCh37 (hg19) VCF-style: chr4-6302538-A-G.
Other names: c.1016A>G, p.Asp339Gly (NM_001145853.1); short protein forms D339G.
Identifiers: ClinVar variation 1477356 (VCV001477356.8), dbSNP rs2109125163, ClinGen allele CA356174075.
Genomic context (GRCh38, chr4:6,300,811, plus strand): 5'-TCCCCACGCACCACATCAACGCGCTCATCTTCTTCTTCATCGTCAGCAACCTCACCATCG[A>G]CTTCTTCGCCTTCTTCATCCCGCTGGTCATCTTCTACCTGTCCTTCATCTCCATGGTGAT-3'
Protein context (NP_005996.2, residues 329-349): FFFIVSNLTI[Asp339Gly]FFAFFIPLVI

ClinVar aggregate classification (germline): Uncertain significance (1 of 4 stars; one submission).

Submission:

Labcorp Genetics (formerly Invitae), Labcorp
Classification: Uncertain significance. Last evaluated: 2022-03-10. Review status: criteria provided, single submitter. Criteria: Invitae Variant Classification Sherloc (09022015). Collection method: clinical testing. Allele origin: germline.
Comment: In summary, the available evidence is currently insufficient to determine the role of this variant in disease. Therefore, it has been classified as a Variant of Uncertain Significance. Algorithms developed to predict the effect of missense changes on protein structure and function are either unavailable or do not agree on the potential impact of this missense change (SIFT: "Tolerated"; PolyPhen-2: "Probably Damaging"; Align-GVGD: "Class C0"). This variant has not been reported in the literature in individuals affected with WFS1-related conditions. This variant is not present in population databases (gnomAD no frequency). This sequence change replaces aspartic acid, which is acidic and polar, with glycine, which is neutral and non-polar, at codon 339 of the WFS1 protein (p.Asp339Gly).